The following is an entry in ClinVar:

ClinVar aggregate classification (germline): Uncertain significance. Review status: criteria provided, multiple submitters, no conflicts (2 of 4 stars). 2 submissions from 2 submitters: Uncertain significance (2). Last evaluated 2025-11-06.

Conditions:
Charcot-Marie-Tooth disease type 2. Also called: Charcot-Marie-Tooth type 2. Identifiers: Orphanet 64746, MedGen C0270914, MONDO:0018993.
Inborn genetic diseases. Identifiers: MedGen C0950123, MeSH D030342.

Allele frequency attached by ClinVar (database versions not stated): gnomAD exomes 0.00001; TOPMed 0.00003; ExAC 0.00002; gnomAD 0.00002.
gnomAD v4.1: 15 of 1,614,052 alleles (0.00093%); highest among the groups gnomAD compares: African/African-American, 0.0027%; no homozygotes.

Submissions (2):

Ambry Genetics
Classification: Uncertain significance for Inborn genetic diseases. Last evaluated: 2025-11-06. Review status: criteria provided, single submitter. Criteria: Ambry Variant Classification Scheme 2023. Collection method: clinical testing. Allele origin: germline.

Labcorp Genetics (formerly Invitae), Labcorp
Classification: Uncertain significance for Charcot-Marie-Tooth disease type 2. Last evaluated: 2022-05-19. Review status: criteria provided, single submitter. Criteria: Invitae Variant Classification Sherloc (09022015). Collection method: clinical testing. Allele origin: germline.
Comment: This sequence change replaces serine, which is neutral and polar, with asparagine, which is neutral and polar, at codon 279 of the MED25 protein (p.Ser279Asn). This variant is present in population databases (rs773096421, gnomAD 0.007%). This variant has not been reported in the literature in individuals affected with MED25-related conditions. Algorithms developed to predict the effect of missense changes on protein structure and function are either unavailable or do not agree on the potential impact of this missense change (SIFT: "Tolerated"; PolyPhen-2: "Possibly Damaging"; Align-GVGD: "Class C0"). In summary, the available evidence is currently insufficient to determine the role of this variant in disease. Therefore, it has been classified as a Variant of Uncertain Significance.

NM_030973.4(MED25):c.836G>A (p.Ser279Asn)

Gene: MED25 (mediator complex subunit 25; plus strand). Cytogenetic location: 19q13.33.
Variant type: single nucleotide variant.
Coding change: c.836G>A on transcript NM_030973.4 (MANE Select); coding-DNA position 836, G replaced by A.
Protein change: p.Ser279Asn; replaces serine 279 with asparagine.
Molecular consequence: missense variant.
Genome position (GRCh38, 1-based): chr19:49,830,527, G>A. VCF-style: chr19-49830527-G-A. GRCh37 (hg19) VCF-style: chr19-50333784-G-A.
Other names: c.836G>A, p.Ser279Asn (NM_001378355.1); short protein forms S279N.
Identifiers: ClinVar variation 2153255 (VCV002153255.2), dbSNP rs773096421, ClinGen allele CA9585051.
Genomic context (GRCh38, chr19:49,830,527, plus strand): 5'-CATGGTCCTCACCAGTCCCTTCCCTTCTTCCCTTCTACCCACAGGTTCCCGGGAACCTGA[G>A]TGCAGCTCAGGTGGCCGCGCAGAATGCAGTGGAGGCTGCCAAGAACCAGAAGGCTGGGCT-3'
Protein context (NP_112235.2, residues 269-289): PPQYQVPGNL[Ser279Asn]AAQVAAQNAV